The following is an entry in ClinVar:

NM_000051.4(ATM):c.332-1009A>T

Gene: ATM (ATM serine/threonine kinase; plus strand). Cytogenetic location: 11q22.3.
Variant type: single nucleotide variant.
Coding change: c.332-1009A>T on transcript NM_000051.4 (MANE Select); 1009 bases into the intron before coding-DNA position 332, A replaced by T.
Molecular consequence: intron variant.
Genome position (GRCh38, 1-based): chr11:108,234,661, A>T. VCF-style: chr11-108234661-A-T. GRCh37 (hg19) VCF-style: chr11-108105388-A-T.
Other names: c.332-1009A>T (NM_001351834.2).
Identifiers: ClinVar variation 2009912 (VCV002009912.4), dbSNP rs1163894901, ClinGen allele CA601694484.
Genomic context (GRCh38, chr11:108,234,661, plus strand): 5'-CCAAGACAGGAGAATCCCTTGAGCTCAGGAGTTCAAGACCAGCCTGGGGAACATTGTGAG[A>T]GATTCTGTCTCTATGAAAAATTTAAAAAATTAGCTGGGCATGGTGGCACAACATCTATAG-3'

ClinVar aggregate classification (germline): Uncertain significance (1 of 4 stars; one submission).

Conditions:
Ataxia-telangiectasia syndrome (AT). Also called: Cerebello-oculocutaneous telangiectasia; Immunodeficiency with ataxia telangiectasia; Ataxia telangiectasia (A-T); LOUIS-BAR SYNDROME; Ataxia-telangiectasia, complementation group D; AT, COMPLEMENTATION GROUP C. Identifiers: Orphanet 100, MedGen C0004135, MONDO:0008840, OMIM 208900.

gnomAD v4.1: 9 of 152,050 alleles (0.0059%); highest among the groups gnomAD compares: Admixed American, 0.059%; no homozygotes.

Submission:

Labcorp Genetics (formerly Invitae), Labcorp
Classification: Uncertain significance for Ataxia-telangiectasia syndrome. Last evaluated: 2026-01-13. Review status: criteria provided, single submitter. Criteria: Invitae Variant Classification Sherloc (09022015). Collection method: clinical testing. Allele origin: germline.
Comment: This sequence change falls in intron 4 of the ATM gene. It does not directly change the encoded amino acid sequence of the ATM protein. This variant is present in population databases (no rsID available, gnomAD 0.1%). This variant has not been reported in the literature in individuals affected with ATM-related conditions. ClinVar contains an entry for this variant (Variation ID: 2009912). Studies have shown that this variant is associated with inconclusive levels of altered splicing (internal data). In summary, the available evidence is currently insufficient to determine the role of this variant in disease. Therefore, it has been classified as a Variant of Uncertain Significance.